The following is an entry in ClinVar:

ClinVar aggregate classification (germline): Uncertain significance. Review status: criteria provided, multiple submitters, no conflicts (2 of 4 stars). 4 submissions from 4 submitters: Uncertain significance (4). Last evaluated 2025-07-08.

Conditions:
DMD-related disorder. Also called: DMD-related condition.
Duchenne muscular dystrophy (DMD). Also called: Duchenne Muscular Dystrophy (DMD); MUSCULAR DYSTROPHY, PSEUDOHYPERTROPHIC PROGRESSIVE, DUCHENNE TYPE. Identifiers: Orphanet 98896, MedGen C0013264, MONDO:0010679, OMIM 310200.

Submissions (4):

GeneDx
Classification: Uncertain significance. Last evaluated: 2025-07-08. Review status: criteria provided, single submitter. Criteria: GeneDx Variant Classification Process June 2021. Collection method: clinical testing. Allele origin: germline. Affected: yes.
Comment: Not observed at significant frequency in large population cohorts (gnomAD); In silico analysis supports that this missense variant has a deleterious effect on protein structure/function; Has not been previously published as pathogenic or benign to our knowledge

PreventionGenetics, part of Exact Sciences
Classification: Uncertain significance for DMD-related condition. Last evaluated: 2025-01-27. Review status: criteria provided, single submitter. Criteria: ACMG Guidelines, 2015. Collection method: clinical testing. Allele origin: germline.
Comment: The DMD c.9932C>A variant is predicted to result in the amino acid substitution p.Ala3311Asp. To our knowledge, this variant has not been reported in the literature or in a large population database (gnomAD), indicating this variant is rare. At this time, the clinical significance of this variant is uncertain due to the absence of conclusive functional and genetic evidence.

Labcorp Genetics (formerly Invitae), Labcorp
Classification: Uncertain significance for Duchenne muscular dystrophy. Last evaluated: 2023-09-05. Review status: criteria provided, single submitter. Criteria: Invitae Variant Classification Sherloc (09022015). Collection method: clinical testing. Allele origin: germline.
Comment: This variant is not present in population databases (gnomAD no frequency). This sequence change replaces alanine, which is neutral and non-polar, with aspartic acid, which is acidic and polar, at codon 3311 of the DMD protein (p.Ala3311Asp). This variant has not been reported in the literature in individuals affected with DMD-related conditions. In summary, the available evidence is currently insufficient to determine the role of this variant in disease. Therefore, it has been classified as a Variant of Uncertain Significance. Advanced modeling of protein sequence and biophysical properties (such as structural, functional, and spatial information, amino acid conservation, physicochemical variation, residue mobility, and thermodynamic stability) has been performed at Invitae for this missense variant, however the output from this modeling did not meet the statistical confidence thresholds required to predict the impact of this variant on DMD protein function. ClinVar contains an entry for this variant (Variation ID: 1468048).

Revvity Omics, Revvity
Classification: Uncertain significance. Last evaluated: 2019-06-28. Review status: criteria provided, single submitter. Criteria: ACMG Guidelines, 2015. Collection method: clinical testing. Allele origin: germline.

NM_004006.3(DMD):c.9932C>A (p.Ala3311Asp)

Gene: DMD (dystrophin; minus strand). Cytogenetic location: Xp21.2.
Variant type: single nucleotide variant.
Coding change: c.9932C>A on transcript NM_004006.3 (MANE Select); coding-DNA position 9932, C replaced by A.
Protein change: p.Ala3311Asp; replaces alanine 3311 with aspartic acid.
Molecular consequence: missense variant.
Genome position (GRCh38, 1-based): chrX:31,182,780, G>T on the plus strand (C>A on the coding strand, the complement: DMD is on the minus strand). VCF-style: chrX-31182780-G-T. GRCh37 (hg19) VCF-style: chrX-31200897-G-T.
Other names: c.9932C>A (NM_004006.2); c.9908C>A, p.Ala3303Asp (NM_000109.4); c.9920C>A, p.Ala3307Asp (NM_004009.3); c.9563C>A, p.Ala3188Asp (NM_004010.3); c.5909C>A, p.Ala1970Asp (NM_004011.4); c.5900C>A, p.Ala1967Asp (NM_004012.4); c.2552C>A, p.Ala851Asp (NM_004013.3, NM_004020.4, NM_004021.3 and 2 more transcripts); c.1745C>A, p.Ala582Asp (NM_004014.3); and 1 more; short protein forms A1967D, A3188D, A3311D, A582D, A1970D, A3303D, A851D, A243D.
Identifiers: ClinVar variation 1468048 (VCV001468048.12), dbSNP rs2148334111, ClinGen allele CA412653361.